The following is an entry in ClinVar:

ClinVar aggregate classification (germline): Uncertain significance (1 of 4 stars; one submission).

Conditions:
Familial infantile myasthenia (CMS6). Also called: Congenital myasthenic syndrome type 6; MYASTHENIC SYNDROME, PRESYNAPTIC, CONGENITAL, ASSOCIATED WITH EPISODIC APNEA; MYASTHENIC SYNDROME, CONGENITAL, 6, PRESYNAPTIC. Identifiers: Orphanet 590, MedGen C0393929, MONDO:0009689, OMIM 254210.

Submission:

Labcorp Genetics (formerly Invitae), Labcorp
Classification: Uncertain significance for Familial infantile myasthenia. Last evaluated: 2021-08-28. Review status: criteria provided, single submitter. Criteria: Invitae Variant Classification Sherloc (09022015). Collection method: clinical testing. Allele origin: germline.
Comment: This sequence change replaces methionine with threonine at codon 666 of the CHAT protein (p.Met666Thr). The methionine residue is moderately conserved and there is a moderate physicochemical difference between methionine and threonine. This variant is not present in population databases (ExAC no frequency). This variant has not been reported in the literature in individuals affected with CHAT-related conditions. Advanced modeling of protein sequence and biophysical properties (such as structural, functional, and spatial information, amino acid conservation, physicochemical variation, residue mobility, and thermodynamic stability) performed at Invitae indicates that this missense variant is not expected to disrupt CHAT protein function. In summary, the available evidence is currently insufficient to determine the role of this variant in disease. Therefore, it has been classified as a Variant of Uncertain Significance.

NM_020549.5(CHAT):c.1997T>C (p.Met666Thr)

Gene: CHAT (choline O-acetyltransferase; plus strand). Cytogenetic location: 10q11.23.
Variant type: single nucleotide variant.
Coding change: c.1997T>C on transcript NM_020549.5 (MANE Select); coding-DNA position 1997, T replaced by C.
Protein change: p.Met666Thr; replaces methionine 666 with threonine.
Molecular consequence: missense variant.
Genome position (GRCh38, 1-based): chr10:49,664,796, T>C. VCF-style: chr10-49664796-T-C. GRCh37 (hg19) VCF-style: chr10-50872842-T-C.
Other names: c.1643T>C, p.Met548Thr (NM_001142929.2, NM_001142934.2, NM_020984.4 and 2 more transcripts); c.1751T>C, p.Met584Thr (NM_001142933.2); short protein forms M584T, M548T, M666T.
Identifiers: ClinVar variation 1371553 (VCV001371553.5), dbSNP rs1485449042, ClinGen allele CA376713231.
Genomic context (GRCh38, chr10:49,664,796, plus strand): 5'-CATTCCAGAACAAGCAGCTCCTGACCTGTCCTCTCCTCCAGGTGCCCACAACCACGGAGA[T>C]GTTCTGCTGCTATGGTCCTGTGGTCCCAAATGGGTATGGTGCCTGCTACAACCCCCAGCC-3'
Protein context (NP_065574.4, residues 656-676): STSQVPTTTE[Met666Thr]FCCYGPVVPN